The following is an entry in ClinVar:

ClinVar aggregate classification (germline): Uncertain significance. Review status: criteria provided, multiple submitters, no conflicts (2 of 4 stars). 2 submissions from 2 submitters: Uncertain significance (2). Last evaluated 2026-09-04.

Conditions:
Hereditary cancer-predisposing syndrome. Also called: Tumor predisposition; Hereditary Cancer Syndrome; Hereditary neoplastic syndrome; Neoplastic Syndromes, Hereditary. Identifiers: Orphanet 140162, MedGen C0027672, MeSH D009386, MONDO:0015356.

gnomAD v4.1: 1 of 1,614,126 alleles (0.000062%); no homozygotes.

Submissions (2):

Ambry Genetics
Classification: Uncertain significance for Hereditary cancer-predisposing syndrome. Last evaluated: 2026-09-04. Review status: criteria provided, single submitter. Criteria: Ambry Variant Classification Scheme 2023. Collection method: clinical testing. Allele origin: germline.
Comment: The p.K122N variant (also known as c.366G>T), located in coding exon 5 of the POLE gene, results from a G to T substitution at nucleotide position 366. The lysine at codon 122 is replaced by asparagine, an amino acid with similar properties. This amino acid position is well conserved in available vertebrate species. In addition, this alteration is predicted to be tolerated by in silico analysis. Based on the available evidence, the clinical significance of this variant remains unclear.

Labcorp Genetics (formerly Invitae), Labcorp
Classification: Uncertain significance. Last evaluated: 2020-06-21. Review status: criteria provided, single submitter. Criteria: Invitae Variant Classification Sherloc (09022015). Collection method: clinical testing. Allele origin: germline.
Comment: In summary, the available evidence is currently insufficient to determine the role of this variant in disease. Therefore, it has been classified as a Variant of Uncertain Significance. This variant is not present in population databases (ExAC no frequency). This sequence change replaces lysine with asparagine at codon 122 of the POLE protein (p.Lys122Asn). The lysine residue is highly conserved and there is a moderate physicochemical difference between lysine and asparagine. This variant has not been reported in the literature in individuals with POLE-related conditions. Algorithms developed to predict the effect of missense changes on protein structure and function are either unavailable or do not agree on the potential impact of this missense change (SIFT: "Deleterious"; PolyPhen-2: "Probably Damaging"; Align-GVGD: "Class C0").

NM_006231.4(POLE):c.366G>T (p.Lys122Asn)

Gene: POLE (DNA polymerase epsilon, catalytic subunit; minus strand). Cytogenetic location: 12q24.33.
Variant type: single nucleotide variant.
Coding change: c.366G>T on transcript NM_006231.4 (MANE Select); coding-DNA position 366, G replaced by T.
Protein change: p.Lys122Asn; replaces lysine 122 with asparagine.
Molecular consequence: missense variant.
Genome position (GRCh38, 1-based): chr12:132,680,011, C>A on the plus strand (G>T on the coding strand, the complement: POLE is on the minus strand). VCF-style: chr12-132680011-C-A. GRCh37 (hg19) VCF-style: chr12-133256597-C-A.
Other names: c.366G>T (NM_006231.2); short protein forms K122N.
Identifiers: ClinVar variation 1037502 (VCV001037502.9), dbSNP rs779922585, ClinGen allele CA387368143.
Genomic context (GRCh38, chr12:132,680,011, plus strand): 5'-CACCAAGTCCAGATCCTCTTTGGGGACAGTCTCCACTTTTGCAATTTTGCCCTGAAACTT[C>A]TTGGAGAGAAAAGATGAAACTTCTCGCTCACAACCCTAATCAGGATCAGAATGAAAAGGC-3'
Protein context (NP_006222.2, residues 112-132): CEREVSSFLS[Lys122Asn]KFQGKIAKVE